The following is an entry in ClinVar:

NM_001384732.1(CPLANE1):c.2119C>T (p.Pro707Ser)

Gene: CPLANE1 (ciliogenesis and planar polarity effector complex subunit 1; minus strand). Cytogenetic location: 5p13.2.
Variant type: single nucleotide variant.
Coding change: c.2119C>T on transcript NM_001384732.1 (MANE Select); coding-DNA position 2119, C replaced by T.
Protein change: p.Pro707Ser; replaces proline 707 with serine.
Molecular consequence: missense variant.
Genome position (GRCh38, 1-based): chr5:37,226,476, G>A on the plus strand (C>T on the coding strand, the complement: CPLANE1 is on the minus strand). VCF-style: chr5-37226476-G-A. GRCh37 (hg19) VCF-style: chr5-37226578-G-A.
Other names: c.2119C>T, p.Pro707Ser (NM_023073.4); c.2119C>T (NM_023073.3); short protein forms P707S.
Identifiers: ClinVar variation 3608746 (VCV003608746.4).

ClinVar aggregate classification (germline): Uncertain significance. Review status: criteria provided, multiple submitters, no conflicts (2 of 4 stars). 3 submissions from 3 submitters: Uncertain significance (3). Last evaluated 2026-06-10.

Conditions:
Inborn genetic diseases. Identifiers: MedGen C0950123, MeSH D030342.

gnomAD v4.1: 9 of 1,550,602 alleles (0.00058%); highest among the groups gnomAD compares: Middle Eastern, 0.017%; no homozygotes.

Submissions (3):

Ambry Genetics
Classification: Uncertain significance for Inborn genetic diseases. Last evaluated: 2026-06-10. Review status: criteria provided, single submitter. Criteria: Ambry Variant Classification Scheme 2023. Collection method: clinical testing. Allele origin: germline.
Comment: The c.2119C>T (p.P707S) alteration is located in exon 12 (coding exon 11) of the C5orf42 gene. This alteration results from a C to T substitution at nucleotide position 2119, causing the proline (P) at amino acid position 707 to be replaced by a serine (S). Based on data from gnomAD, the T allele has an overall frequency of 0.001% (1/155456) total alleles studied. The highest observed frequency was 0.002% (1/60176) of European (non-Finnish) alleles. Based on insufficient or conflicting evidence, the clinical significance of this alteration remains unclear.

Labcorp Genetics (formerly Invitae), Labcorp
Classification: Uncertain significance. Last evaluated: 2024-12-30. Review status: criteria provided, single submitter. Criteria: Invitae Variant Classification Sherloc (09022015). Collection method: clinical testing. Allele origin: germline.
Comment: This sequence change replaces proline, which is neutral and non-polar, with serine, which is neutral and polar, at codon 707 of the CPLANE1 protein (p.Pro707Ser). This variant is present in population databases (no rsID available, gnomAD 0.002%). This variant has not been reported in the literature in individuals affected with CPLANE1-related conditions. Invitae Evidence Modeling of protein sequence and biophysical properties (such as structural, functional, and spatial information, amino acid conservation, physicochemical variation, residue mobility, and thermodynamic stability) indicates that this missense variant is not expected to disrupt CPLANE1 protein function with a negative predictive value of 95%. In summary, the available evidence is currently insufficient to determine the role of this variant in disease. Therefore, it has been classified as a Variant of Uncertain Significance.

Blueprint Genetics
Classification: Uncertain significance. Last evaluated: 2024-01-15. Review status: criteria provided, single submitter. Criteria: ACMG Guidelines, 2015. Collection method: clinical testing. Allele origin: germline.